The following is an entry in ClinVar:

ClinVar aggregate classification (germline): Uncertain significance (1 of 4 stars; one submission).

Submission:

GeneDx
Classification: Uncertain significance. Last evaluated: 2026-03-20. Review status: criteria provided, single submitter. Criteria: GeneDx Variant Classification Process June 2021. Collection method: clinical testing. Allele origin: germline.
Comment: Not observed at significant frequency in large population cohorts (gnomAD); In silico analysis supports that this missense variant has a deleterious effect on protein structure/function; Has not been previously published as pathogenic or benign to our knowledge

NM_015267.4(CUX2):c.4450T>A (p.Trp1484Arg)

Gene: CUX2 (cut like homeobox 2; plus strand). Cytogenetic location: 12q24.12.
Variant type: single nucleotide variant.
Coding change: c.4450T>A on transcript NM_015267.4 (MANE Select); coding-DNA position 4450, T replaced by A.
Protein change: p.Trp1484Arg; replaces tryptophan 1484 with arginine.
Molecular consequence: missense variant.
Genome position (GRCh38, 1-based): chr12:111,348,314, T>A. VCF-style: chr12-111348314-T-A. GRCh37 (hg19) VCF-style: chr12-111786118-T-A.
Other names: c.4264T>A, p.Trp1422Arg (NM_001370598.1); short protein forms W1422R, W1484R.
Identifiers: ClinVar variation 5017038 (VCV005017038.1).